The following is an entry in ClinVar:

NM_001134407.3(GRIN2A):c.*7425T>A

Gene: GRIN2A (glutamate ionotropic receptor NMDA type subunit 2A; minus strand). Cytogenetic location: 16p13.2.
Variant type: single nucleotide variant.
Coding change: c.*7425T>A on transcript NM_001134407.3 (MANE Select); 7425 bases downstream of the stop codon, T replaced by A.
Molecular consequence: 3 prime UTR variant.
Genome position (GRCh38, 1-based): chr16:9,755,724, A>T on the plus strand (T>A on the coding strand, the complement: GRIN2A is on the minus strand). VCF-style: chr16-9755724-A-T. GRCh37 (hg19) VCF-style: chr16-9849581-A-T.
Other names: c.*7425T>A (NM_000833.5); c.*7631T>A (NM_001134408.2).
Identifiers: ClinVar variation 885003 (VCV000885003.4), dbSNP rs184642158, ClinGen allele CA277528392.
Genomic context (GRCh38, chr16:9,755,724, plus strand): 5'-AGGGGGGAATGCAGGAAAGGCAGTGTGTGCTCAGGGGCATGCCTGCAGGATATGTTAAAC[A>T]TTAGGCCATTCTGGGTACCTATAAAGCCCGGTGGAAGCGTTCCAGTTCAACACTCTTCAG-3'

ClinVar aggregate classification (germline): Benign (1 of 4 stars; one submission).

Conditions:
Landau-Kleffner syndrome (FESD). Also called: APHASIA, ACQUIRED, WITH EPILEPSY; EPILEPSY, FOCAL, WITH SPEECH DISORDER AND WITH OR WITHOUT MENTAL RETARDATION. Identifiers: Orphanet 1945, Orphanet 725, Orphanet 98818, MedGen C0282512, MONDO:0009509, OMIM 245570.

Allele frequency attached by ClinVar (database versions not stated): 1000 Genomes Project 0.00100; gnomAD 0.00200 and 0.00195; TOPMed 0.00077; gnomAD exomes 0.00104; 1000 Genomes Project 30x 0.00125.
gnomAD v4.1: 357 of 210,080 alleles (0.17%); highest among the groups gnomAD compares: Non-Finnish European, 0.15%; 2 homozygotes.

Submission:

Illumina Laboratory Services, Illumina
Classification: Benign for Landau-Kleffner syndrome. Last evaluated: 2018-01-13. Review status: criteria provided, single submitter. Criteria: ICSL Variant Classification Criteria 13 December 2019. Collection method: clinical testing. Allele origin: germline.
Comment: This variant was observed in the ICSL laboratory as part of a predisposition screen in an ostensibly healthy population. It had not been previously curated by ICSL or reported in the Human Gene Mutation Database (HGMD: prior to June 1st, 2018), and was therefore a candidate for classification through an automated scoring system. Utilizing variant allele frequency, disease prevalence and penetrance estimates, and inheritance mode, an automated score was calculated to assess if this variant is too frequent to cause the disease. Based on the score and internal cut-off values, a variant classified as benign is not then subjected to further curation. The score for this variant resulted in a classification of benign for this disease.